The following is an entry in ClinVar:

ClinVar aggregate classification (germline): Conflicting classifications of pathogenicity. Review status: criteria provided, conflicting classifications (1 of 4 stars). 8 submissions from 8 submitters: Uncertain significance (4); Likely benign (3). 1 of the submissions does not count toward it. Last evaluated 2026-08-31.

Conditions:
USH2A-related disorder. Also called: USH2A-related condition; USH2A-related disorders. Identifiers: MedGen CN239332.
Inborn genetic diseases. Identifiers: MedGen C0950123, MeSH D030342.
Usher syndrome type 2A. Also called: USHER SYNDROME, TYPE IIA; RETINAL DISEASE IN USHER SYNDROME TYPE IIA, MODIFIER OF. Identifiers: Orphanet 231178, Orphanet 886, MedGen C1848634, MONDO:0010169, OMIM 276901.

Allele frequency attached by ClinVar (database versions not stated): gnomAD 0.00065 and 0.00062; TOPMed 0.00073; ExAC 0.00021; gnomAD exomes 0.00022; 1000 Genomes Project 0.00060; 1000 Genomes Project 30x 0.00062.
gnomAD v4.1: 198 of 1,614,084 alleles (0.012%); highest among the groups gnomAD compares: African/African-American, 0.23%; no homozygotes.

Submissions (8):

PreventionGenetics, part of Exact Sciences
Classification: Uncertain significance for USH2A-related condition. Last evaluated: 2026-08-31. Review status: criteria provided, single submitter. Criteria: ACMG Guidelines, 2015. Collection method: clinical testing. Allele origin: germline.
Comment: The USH2A c.12598T>G variant is predicted to result in the amino acid substitution p.Trp4200Gly. This variant has been reported with a second USH2A variant in an individual with Leber congenital amaurosis (Table S4, Panneman et al. 2023. PubMed ID: 36819107). However, this variant is reported in 0.23% of alleles in individuals of African descent in gnomAD, which may be too frequent to be a primary cause of disease. Although we suspect that this variant may be benign, at this time, the clinical significance of this variant is uncertain due to the absence of conclusive functional and genetic evidence.

Labcorp Genetics (formerly Invitae), Labcorp
Classification: Likely benign. Last evaluated: 2026-01-17. Review status: criteria provided, single submitter. Criteria: Invitae Variant Classification Sherloc (09022015). Collection method: clinical testing. Allele origin: germline.

Blueprint Genetics
Classification: Likely benign. Last evaluated: 2022-12-22. Review status: criteria provided, single submitter. Criteria: ACMG Guidelines, 2015. Collection method: clinical testing. Allele origin: germline.

Ambry Genetics
Classification: Uncertain significance for Inborn genetic diseases. Last evaluated: 2021-12-06. Review status: criteria provided, single submitter. Criteria: Ambry Variant Classification Scheme 2023. Collection method: clinical testing. Allele origin: germline.

GeneDx
Classification: Uncertain significance. Last evaluated: 2021-06-16. Review status: criteria provided, single submitter. Criteria: GeneDx Variant Classification Process June 2021. Collection method: clinical testing. Allele origin: germline. Affected: yes.
Comment: In silico analysis supports that this missense variant does not alter protein structure/function; Has not been previously published as pathogenic or benign to our knowledge; This variant is associated with the following publications: (PMID: 27535533)

Eurofins Ntd Llc (ga)
Classification: Uncertain significance. Last evaluated: 2016-04-14. Review status: criteria provided, single submitter. Criteria: EGL Classification Definitions 2015. Collection method: clinical testing. Allele origin: germline. Observed: 3 variant alleles, 3 heterozygotes.

Laboratory for Molecular Medicine, Mass General Brigham Personalized Medicine
Classification: Likely benign. Last evaluated: 2014-06-03. Review status: criteria provided, single submitter. Criteria: LMM Criteria. Collection method: clinical testing. Allele origin: germline. Observed: 2 variant alleles.
Comment: Trp4200Gly in exon 63 of USH2A: This variant is not expected to have clinical si gnificance due to a lack of conservation across species, including mammals. Of n ote, at least 5 mammals (dolphin, killer whale, hedgehog, star-nosed mole, and c ape-golden mole) have a glycine (Gly) at this position despite high nearby amino acid conservation. In addition, it was identified in 0.6% (1/176) of African ch romosomes by the 1000 Genomes Project (dbSNP rs11411 6572).

Natera, Inc.
Classification: Uncertain significance for Usher syndrome type 2A. Last evaluated: 2019-11-06. Review status: no assertion criteria provided. Collection method: clinical testing. Allele origin: germline. Not counted in ClinVar's aggregate classification.

NM_206933.4(USH2A):c.12598T>G (p.Trp4200Gly)

Gene: USH2A (usherin; minus strand). Cytogenetic location: 1q41.
Variant type: single nucleotide variant.
Coding change: c.12598T>G on transcript NM_206933.4 (MANE Select); coding-DNA position 12598, T replaced by G.
Protein change: p.Trp4200Gly; replaces tryptophan 4200 with glycine.
Molecular consequence: missense variant.
Genome position (GRCh38, 1-based): chr1:215,675,313, A>C on the plus strand (T>G on the coding strand, the complement: USH2A is on the minus strand). VCF-style: chr1-215675313-A-C. GRCh37 (hg19) VCF-style: chr1-215848655-A-C.
Other names: short protein forms W4200G.
Identifiers: ClinVar variation 178573 (VCV000178573.26), dbSNP rs114116572, ClinGen allele CA182586.